The following is an entry in ClinVar:

ClinVar aggregate classification (germline): Uncertain significance. Review status: criteria provided, multiple submitters, no conflicts (2 of 4 stars). 2 submissions from 2 submitters: Uncertain significance (2). Last evaluated 2021-12-30.

Conditions:
Epidermolysis bullosa dystrophica. Also called: Dystrophic epidermolysis bullosa; Dystrophic epidermolysis bullosa, Hallopeau-Siemens type (formerly). Identifiers: Orphanet 303, MedGen C0079294, MONDO:0006543.

Allele frequency attached by ClinVar (database versions not stated): gnomAD 0.00001; gnomAD exomes 0.00001 and 0.00002; TOPMed 0.00005.
gnomAD v4.1: 35 of 1,613,868 alleles (0.0022%); highest among the groups gnomAD compares: Admixed American, 0.005%; no homozygotes.

Submissions (2):

Labcorp Genetics (formerly Invitae), Labcorp
Classification: Uncertain significance. Last evaluated: 2021-12-30. Review status: criteria provided, single submitter. Criteria: Invitae Variant Classification Sherloc (09022015). Collection method: clinical testing. Allele origin: germline.
Comment: This sequence change replaces arginine, which is basic and polar, with glutamine, which is neutral and polar, at codon 1772 of the COL7A1 protein (p.Arg1772Gln). This variant is present in population databases (no rsID available, gnomAD 0.006%). This variant has not been reported in the literature in individuals affected with COL7A1-related conditions. ClinVar contains an entry for this variant (Variation ID: 903262). Algorithms developed to predict the effect of missense changes on protein structure and function are either unavailable or do not agree on the potential impact of this missense change (SIFT: "Deleterious"; PolyPhen-2: "Not Available"; Align-GVGD: "Class C0"). In summary, the available evidence is currently insufficient to determine the role of this variant in disease. Therefore, it has been classified as a Variant of Uncertain Significance.

Illumina Laboratory Services, Illumina
Classification: Uncertain significance for Dystrophic epidermolysis bullosa. Last evaluated: 2018-01-13. Review status: criteria provided, single submitter. Criteria: ICSL Variant Classification Criteria 13 December 2019. Collection method: clinical testing. Allele origin: germline.

NM_000094.4(COL7A1):c.5315G>A (p.Arg1772Gln)

Gene: COL7A1 (collagen type VII alpha 1 chain; minus strand). Cytogenetic location: 3p21.31.
Variant type: single nucleotide variant.
Coding change: c.5315G>A on transcript NM_000094.4 (MANE Select); coding-DNA position 5315, G replaced by A.
Protein change: p.Arg1772Gln; replaces arginine 1772 with glutamine.
Molecular consequence: missense variant.
Genome position (GRCh38, 1-based): chr3:48,579,270, C>T on the plus strand (G>A on the coding strand, the complement: COL7A1 is on the minus strand). VCF-style: chr3-48579270-C-T. GRCh37 (hg19) VCF-style: chr3-48616703-C-T.
Other names: short protein forms R1772Q.
Identifiers: ClinVar variation 903262 (VCV000903262.5), dbSNP rs1016459702, ClinGen allele CA73978661.